The following is an entry in ClinVar:

ClinVar aggregate classification (germline): Uncertain significance (1 of 4 stars; one submission).

Conditions:
Centromeric instability of chromosomes 1,9 and 16 and immunodeficiency (ICF1). Also called: Immunodeficiency-centromeric instability-facial anomalies; IMMUNE DEFICIENCY, VARIABLE, WITH CENTROMERIC INSTABILITY OF CHROMOSOMES 1, 9, AND 16; IMMUNODEFICIENCY SYNDROME, VARIABLE; CENTROMERIC INSTABILITY, IMMUNODEFICIENCY SYNDROME. Identifiers: Orphanet 2268, MedGen C0398788, MONDO:0000133.

gnomAD v4.1: 1 of 1,614,104 alleles (0.000062%); highest among the groups gnomAD compares: Non-Finnish European, 0.000085%; no homozygotes.

Submission:

Labcorp Genetics (formerly Invitae), Labcorp
Classification: Uncertain significance for Centromeric instability of chromosomes 1,9 and 16 and immunodeficiency. Last evaluated: 2022-05-10. Review status: criteria provided, single submitter. Criteria: Invitae Variant Classification Sherloc (09022015). Collection method: clinical testing. Allele origin: germline.
Comment: This sequence change replaces asparagine, which is neutral and polar, with lysine, which is basic and polar, at codon 377 of the DNMT3B protein (p.Asn377Lys). This variant is not present in population databases (gnomAD no frequency). This variant has not been reported in the literature in individuals affected with DNMT3B-related conditions. Algorithms developed to predict the effect of missense changes on protein structure and function (SIFT, PolyPhen-2, Align-GVGD) all suggest that this variant is likely to be tolerated. Algorithms developed to predict the effect of sequence changes on RNA splicing suggest that this variant may create or strengthen a splice site. In summary, the available evidence is currently insufficient to determine the role of this variant in disease. Therefore, it has been classified as a Variant of Uncertain Significance.

NM_006892.4(DNMT3B):c.1131C>G (p.Asn377Lys)

Gene: DNMT3B (DNA methyltransferase 3 beta; plus strand). Cytogenetic location: 20q11.21.
Variant type: single nucleotide variant.
Coding change: c.1131C>G on transcript NM_006892.4 (MANE Select); coding-DNA position 1131, C replaced by G.
Protein change: p.Asn377Lys; replaces asparagine 377 with lysine.
Molecular consequence: missense variant.
Genome position (GRCh38, 1-based): chr20:32,795,413, C>G. VCF-style: chr20-32795413-C-G. GRCh37 (hg19) VCF-style: chr20-31383219-C-G.
Other names: c.945C>G, p.Asn315Lys (NM_001207055.2); c.843C>G, p.Asn281Lys (NM_001207056.2); c.1071C>G, p.Asn357Lys (NM_175848.2, NM_175849.2); c.1107C>G, p.Asn369Lys (NM_175850.3); short protein forms N369K, N281K, N315K, N357K, N377K.
Identifiers: ClinVar variation 1493927 (VCV001493927.3), dbSNP rs2146001543, ClinGen allele CA408585048.